The following is an entry in ClinVar:

ClinVar aggregate classification (germline): Benign. Review status: reviewed by expert panel (3 of 4 stars). 3 submissions from 3 submitters: Benign (1). 2 of the submissions do not count toward it. Last evaluated 2023-06-26.

Conditions:
Leigh syndrome (NULS). Also called: Leigh Disease; Subacute necrotizing encephalopathy; Necrotizing encephalopathy infantile subacute of Leigh; LEIGH SYNDROME, NUCLEAR; Leigh's necrotizing encephalopathy; Leigh's disease. Identifiers: Orphanet 506, MedGen C2931891, MONDO:0009723, OMIM 256000.
Mitochondrial disease. Also called: Mitochondrial disorder; Mitochondrial disorders. Identifiers: Orphanet 68380, MedGen C0751651, MeSH D028361, MONDO:0044970.

Submissions (3):

ClinGen Mitochondrial Disease Nuclear and Mitochondrial  Variant Curation Expert Panel, ClinGen
Classification: Benign for Mitochondrial disease. Last evaluated: 2023-06-26. Review status: reviewed by expert panel. Criteria: McCormick et al. (Hum Mutat. 2020). Collection method: curation. Allele origin: germline. Inheritance: Mitochondrial inheritance.
Comment: The m.9091A>G (p.T189A) variant in MT-ATP6 was reviewed by the Mitochondrial Disease Nuclear and Mitochondrial Variant Curation Expert Panel on June 26, 2023. This variant has not been reported in the medical literature as causative in affected individuals or families with primary mitochondrial disease to our knowledge. There has been a report of this variant being present in an individual from a control cohort (PMID: 15120634). This variant has also been reported in the homoplasmic state in a family with Leber Hereditary Optic Neuropathy (from haplogroup H10) caused by the m.3733G>A variant (PMID: 22879922). There are several occurrences in population databases. The frequency in the MITOMAP GenBank sequences is 21/59,389 (0.035%). The frequency in the Helix dataset is 108/195,983 (0.055%), including 107 homoplasmic occurrences and 1 heteroplasmic occurrence, and occurring in individuals from haplogroups H, U, HV, K, and R. The frequency in gnomAD v3.1.2 is 20/56432 (0.035%), and these occurrences are homoplasmic in individuals of European and African ancestry. Furthermore, this variant has been reported in 14 out of 14 individuals in the H10 haplogroup in addition to the case described above in haplogroup H10, meeting criteria to be considered a top-level haplogroup defining variant (BA1). The computational predictor APOGEE gives a consensus rating of benign with a score of 0.28 (Min=0, Max=1), which predicts a benign effect on gene function (BP4). There are no cybrids, single fiber studies, or other functional assays reported on this variant. In summary, this variant meets criteria to be classified as benign for primary mitochondrial disease inherited in a mitochondrial manner. This classification was approved by the NICHD/NINDS U24 ClinGen Mitochondrial Disease Variant Curation Expert Panel on June 26, 2023. Mitochondrial DNA-specific ACMG/AMP criteria applied BP4, BA1.

Wong Mito Lab, Molecular and Human Genetics, Baylor College of Medicine
Classification: Likely benign for Leigh syndrome. Last evaluated: 2019-10-17. Review status: criteria provided, single submitter. Criteria: Modified ACMG Guidelines (Unpublished). Collection method: clinical testing. Allele origin: germline. Not counted in ClinVar's aggregate classification.
Comment: The NC_012920.1:m.9091A>G (YP_003024031.1:p.Thr189Ala) variant in MTATP6 gene is interpretated to be a Likely Benign variant based on the modified ACMG guidelines (unpublished). This variant meets the following evidence codes: BS1, BP4

Center for Pediatric Genomic Medicine, Children's Mercy Hospital and Clinics
Classification: Uncertain significance. Last evaluated: 2017-01-16. Review status: criteria provided, single submitter. Criteria: ACMG Guidelines, 2015. Collection method: clinical testing. Allele origin: germline. Not counted in ClinVar's aggregate classification.
ClinVar note: Converted during submission from Uncertain Significance to Uncertain significance.

Literature cited by the submitters: PubMed 15120634 (cited by Wong Mito Lab, Molecular and Human Genetics, Baylor College of Medicine).

NC_012920.1(MT-ATP6):m.9091A>G

Gene: MT-ATP6 (mitochondrially encoded ATP synthase 6; plus strand).
Variant type: single nucleotide variant.
Genome position: chrM-9091-A-G.
Identifiers: ClinVar variation 376876 (VCV000376876.5), dbSNP rs1057520079, ClinGen allele CA16603197.